The following is an entry in ClinVar:

ClinVar aggregate classification (germline): Uncertain significance (1 of 4 stars; one submission).

Conditions:
Early-infantile DEE. Also called: Early infantile epileptic encephalopathy with suppression bursts; Early infantile epileptic encephalopathy; Ohtahara syndrome. Identifiers: Orphanet 1934, MedGen C0393706, MONDO:0800491.

Submission:

Labcorp Genetics (formerly Invitae), Labcorp
Classification: Uncertain significance for Early-infantile DEE. Last evaluated: 2021-07-09. Review status: criteria provided, single submitter. Criteria: Invitae Variant Classification Sherloc (09022015). Collection method: clinical testing. Allele origin: germline.
Comment: This variant has not been reported in the literature in individuals affected with HCN1-related conditions. This sequence change replaces phenylalanine with leucine at codon 514 of the HCN1 protein (p.Phe514Leu). The phenylalanine residue is highly conserved and there is a small physicochemical difference between phenylalanine and leucine. This variant is not present in population databases (ExAC no frequency). Advanced modeling of protein sequence and biophysical properties (such as structural, functional, and spatial information, amino acid conservation, physicochemical variation, residue mobility, and thermodynamic stability) performed at Invitae indicates that this missense variant is expected to disrupt HCN1 protein function. In summary, the available evidence is currently insufficient to determine the role of this variant in disease. Therefore, it has been classified as a Variant of Uncertain Significance.

NM_021072.4(HCN1):c.1540T>C (p.Phe514Leu)

Gene: HCN1 (hyperpolarization activated cyclic nucleotide gated potassium channel 1; minus strand). Cytogenetic location: 5p12.
Variant type: single nucleotide variant.
Coding change: c.1540T>C on transcript NM_021072.4 (MANE Select); coding-DNA position 1540, T replaced by C.
Protein change: p.Phe514Leu; replaces phenylalanine 514 with leucine.
Molecular consequence: missense variant.
Genome position (GRCh38, 1-based): chr5:45,303,677, A>G on the plus strand (T>C on the coding strand, the complement: HCN1 is on the minus strand). VCF-style: chr5-45303677-A-G. GRCh37 (hg19) VCF-style: chr5-45303779-A-G.
Other names: short protein forms F514L.
Identifiers: ClinVar variation 1366498 (VCV001366498.9), dbSNP rs2111904910, ClinGen allele CA359702494.